The following is an entry in ClinVar:

ClinVar aggregate classification (germline): Conflicting classifications of pathogenicity. Review status: criteria provided, conflicting classifications (1 of 4 stars). 10 submissions from 8 submitters: Uncertain significance (6); Likely benign (2). 2 of the submissions do not count toward it. Last evaluated 2024-11-19.

Conditions:
Familial Mediterranean fever (FMF). Also called: Periodic peritonitis; Benign paroxysmal peritonitis; POLYSEROSITIS, FAMILIAL PAROXYSMAL; POLYSEROSITIS, RECURRENT. Identifiers: Orphanet 342, MedGen C0031069, MONDO:0018088, OMIM 249100. Disease mechanism: gain of function.
Familial Mediterranean fever, autosomal dominant. Also called: FMF, AUTOSOMAL DOMINANT; Dominant Familial Mediterranean Fever. Identifiers: Orphanet 342, MedGen C1851347, MONDO:0007601, OMIM 134610.
Acute febrile neutrophilic dermatosis (AFND). Also called: Sweet Syndrome; Gomm Button disease. Identifiers: Orphanet 3243, MedGen C0085077, MONDO:0011959, OMIM 608068.

Allele frequency attached by ClinVar (database versions not stated): TOPMed 0.00001; gnomAD 0.00005; ExAC 0.00011; gnomAD exomes 0.00014.
gnomAD v4.1: 115 of 1,614,076 alleles (0.0071%); highest among the groups gnomAD compares: South Asian, 0.092%; 1 homozygote.

Submissions (10):

Blueprint Genetics
Classification: Uncertain significance. Last evaluated: 2024-11-19. Review status: criteria provided, single submitter. Criteria: ACMG Guidelines, 2015. Collection method: clinical testing. Allele origin: germline.

Genome-Nilou Lab
Classification: Uncertain significance for Familial Mediterranean fever. Last evaluated: 2023-02-08. Review status: criteria provided, single submitter. Criteria: ACMG Guidelines, 2015. Collection method: clinical testing. Allele origin: germline.

Genome-Nilou Lab
Classification: Likely benign for Familial Mediterranean fever, autosomal dominant. Last evaluated: 2023-02-08. Review status: criteria provided, single submitter. Criteria: ACMG Guidelines, 2015. Collection method: clinical testing. Allele origin: germline.

Genome-Nilou Lab
Classification: Likely benign for Acute febrile neutrophilic dermatosis. Last evaluated: 2023-02-08. Review status: criteria provided, single submitter. Criteria: ACMG Guidelines, 2015. Collection method: clinical testing. Allele origin: germline.

Labcorp Genetics (formerly Invitae), Labcorp
Classification: Uncertain significance for Familial Mediterranean fever. Last evaluated: 2022-08-16. Review status: criteria provided, single submitter. Criteria: Invitae Variant Classification Sherloc (09022015). Collection method: clinical testing. Allele origin: germline.
Comment: This sequence change replaces aspartic acid, which is acidic and polar, with asparagine, which is neutral and polar, at codon 510 of the MEFV protein (p.Asp510Asn). This variant is present in population databases (rs200557537, gnomAD 0.1%). This missense change has been observed in individual(s) with clinical features of MEFV-related disease (PMID: 31989427). ClinVar contains an entry for this variant (Variation ID: 955767). Algorithms developed to predict the effect of missense changes on protein structure and function output the following: SIFT: "Tolerated"; PolyPhen-2: "Benign"; Align-GVGD: "Class C0". The asparagine amino acid residue is found in multiple mammalian species, which suggests that this missense change does not adversely affect protein function. In summary, the available evidence is currently insufficient to determine the role of this variant in disease. Therefore, it has been classified as a Variant of Uncertain Significance.

Fulgent Genetics
Classification: Uncertain significance for Familial Mediterranean fever, autosomal dominant; Familial Mediterranean fever; Acute febrile neutrophilic dermatosis. Last evaluated: 2022-05-06. Review status: criteria provided, single submitter. Criteria: ACMG Guidelines, 2015. Collection method: clinical testing. Allele origin: unknown.

MGZ Medical Genetics Center
Classification: Uncertain significance for Familial Mediterranean fever. Last evaluated: 2022-04-19. Review status: criteria provided, single submitter. Criteria: ACMG Guidelines, 2015. Collection method: clinical testing. Allele origin: germline. Affected: yes. Observed: 2 variant alleles.
Comment: ACMG criteria applied: PS4_SUP, PM2_SUP, BP4

Genetics and Molecular Pathology, SA Pathology
Classification: Uncertain significance for Familial Mediterranean fever. Last evaluated: 2020-06-05. Review status: criteria provided, single submitter. Criteria: ACMG Guidelines, 2015. Collection method: clinical testing. Allele origin: germline. Affected: yes.
Comment: BP4

Molecular Genetics Laboratory, BC Children's and BC Women's Hospitals
Classification: Uncertain significance for Familial Mediterranean fever. Last evaluated: 2020-05-21. Review status: no assertion criteria provided. Criteria: ACMG Guidelines, 2015. Collection method: clinical testing. Allele origin: germline. Affected: yes. Not counted in ClinVar's aggregate classification.

Natera, Inc.
Classification: Uncertain significance for Familial Mediterranean fever. Last evaluated: 2020-03-08. Review status: no assertion criteria provided. Collection method: clinical testing. Allele origin: germline. Not counted in ClinVar's aggregate classification.

Literature cited by the submitters: PubMed 31989427 (cited by Labcorp Genetics (formerly Invitae), Labcorp).

NM_000243.3(MEFV):c.1528G>A (p.Asp510Asn)

Gene: MEFV (MEFV innate immunity regulator, pyrin; minus strand). Cytogenetic location: 16p13.3.
Variant type: single nucleotide variant.
Coding change: c.1528G>A on transcript NM_000243.3 (MANE Select); coding-DNA position 1528, G replaced by A.
Protein change: p.Asp510Asn; replaces aspartic acid 510 with asparagine.
Molecular consequence: missense variant.
Genome position (GRCh38, 1-based): chr16:3,247,075, C>T on the plus strand (G>A on the coding strand, the complement: MEFV is on the minus strand). VCF-style: chr16-3247075-C-T. GRCh37 (hg19) VCF-style: chr16-3297075-C-T.
Other names: c.895G>A, p.Asp299Asn (NM_001198536.2); short protein forms D299N, D510N.
Identifiers: ClinVar variation 955767 (VCV000955767.14), dbSNP rs200557537, ClinGen allele CA7860109.
Genomic context (GRCh38, chr16:3,247,075, plus strand): 5'-CCTGCAGAAGTTCCCATTCTGACTGGCACTCCTTGGCCTCCAGTTCCCCAATCAGCGCAT[C>T]GAGCAGGGCGATGTCCTGGGATACGCGGGTGTCATATGCCTTCCTGATCTGCCCAACCAT-3'
Protein context (NP_000234.1, residues 500-520): TRVSQDIALL[Asp510Asn]ALIGELEAKE